The following is an entry in ClinVar:

ClinVar aggregate classification (germline): Uncertain significance (1 of 4 stars; one submission).

Allele frequency attached by ClinVar (database versions not stated): gnomAD exomes below 0.00001.
gnomAD v4.1: 2 of 1,551,762 alleles (0.00013%); highest among the groups gnomAD compares: Non-Finnish European, 0.000087%; no homozygotes.

Submission:

Labcorp Genetics (formerly Invitae), Labcorp
Classification: Uncertain significance. Last evaluated: 2023-10-20. Review status: criteria provided, single submitter. Criteria: Invitae Variant Classification Sherloc (09022015). Collection method: clinical testing. Allele origin: germline.
Comment: This sequence change replaces threonine, which is neutral and polar, with alanine, which is neutral and non-polar, at codon 1986 of the TET2 protein (p.Thr1986Ala). This variant is present in population databases (no rsID available, gnomAD 0.03%). This variant has not been reported in the literature in individuals affected with TET2-related conditions. An algorithm developed to predict the effect of missense changes on protein structure and function (PolyPhen-2) suggests that this variant is likely to be disruptive. In summary, the available evidence is currently insufficient to determine the role of this variant in disease. Therefore, it has been classified as a Variant of Uncertain Significance.

NM_001127208.3(TET2):c.5956A>G (p.Thr1986Ala)

Genes: TET2 (tet methylcytosine dioxygenase 2; plus strand), TET2-AS1 (TET2 antisense RNA 1; minus strand). Cytogenetic location: 4q24.
Variant type: single nucleotide variant.
Coding change: c.5956A>G on transcript NM_001127208.3 (MANE Select); coding-DNA position 5956, A replaced by G.
Protein change: p.Thr1986Ala; replaces threonine 1986 with alanine.
Molecular consequence: missense variant.
Genome position (GRCh38, 1-based): chr4:105,276,466, A>G. VCF-style: chr4-105276466-A-G. GRCh37 (hg19) VCF-style: chr4-106197623-A-G.
Other names: short protein forms T1986A.
Identifiers: ClinVar variation 2988875 (VCV002988875.3), dbSNP rs1413958620, ClinGen allele CA357797395.
Genomic context (GRCh38, chr4:105,276,466, plus strand): 5'-CGTTTCATCAAGTCTCTTGCCGAAAGGACCATGTCCGTGACCACAGACTCCACAGTAACT[A>G]CATCTCCATATGCCTTCACTCGGGTCACAGGGCCTTACAACAGATATATATGATATCACC-3'
Protein context (NP_001120680.1, residues 1976-1996): MSVTTDSTVT[Thr1986Ala]SPYAFTRVTG